The following is an entry in ClinVar:

ClinVar aggregate classification (germline): Uncertain significance (1 of 4 stars; one submission).

gnomAD v4.1: 1 of 1,613,882 alleles (0.000062%); highest among the groups gnomAD compares: South Asian, 0.0011%; no homozygotes.

Submission:

Ambry Genetics
Classification: Uncertain significance. Last evaluated: 2025-09-22. Review status: criteria provided, single submitter. Criteria: Ambry Variant Classification Scheme 2023. Collection method: clinical testing. Allele origin: germline.
Comment: The p.Q1109E variant (also known as c.3325C>G), located in coding exon 13 of the CDK12 gene, results from a C to G substitution at nucleotide position 3325. The glutamine at codon 1109 is replaced by glutamic acid, an amino acid with highly similar properties. This amino acid position is conserved. In addition, this alteration is predicted to be tolerated by in silico analysis. Based on the available evidence, the clinical significance of this variant remains unclear.

NM_016507.4(CDK12):c.3325C>G (p.Gln1109Glu)

Gene: CDK12 (cyclin dependent kinase 12; plus strand). Cytogenetic location: 17q12.
Variant type: single nucleotide variant.
Coding change: c.3325C>G on transcript NM_016507.4 (MANE Select); coding-DNA position 3325, C replaced by G.
Protein change: p.Gln1109Glu; replaces glutamine 1109 with glutamic acid.
Molecular consequence: missense variant.
Genome position (GRCh38, 1-based): chr17:39,525,881, C>G. VCF-style: chr17-39525881-C-G. GRCh37 (hg19) VCF-style: chr17-37682134-C-G.
Other names: c.3325C>G, p.Gln1109Glu (NM_015083.4); short protein forms Q1109E.
Identifiers: ClinVar variation 4651324 (VCV004651324.1).